The following is an entry in ClinVar:

ClinVar aggregate classification (germline): Uncertain significance (1 of 4 stars; one submission).

Allele frequency attached by ClinVar (database versions not stated): gnomAD exomes 0.00001; TOPMed 0.00002.
gnomAD v4.1: 18 of 1,557,240 alleles (0.0012%); highest among the groups gnomAD compares: South Asian, 0.0059%; no homozygotes.

Submission:

Labcorp Genetics (formerly Invitae), Labcorp
Classification: Uncertain significance. Last evaluated: 2022-05-06. Review status: criteria provided, single submitter. Criteria: Invitae Variant Classification Sherloc (09022015). Collection method: clinical testing. Allele origin: germline.
Comment: In summary, the available evidence is currently insufficient to determine the role of this variant in disease. Therefore, it has been classified as a Variant of Uncertain Significance. Advanced modeling of protein sequence and biophysical properties (such as structural, functional, and spatial information, amino acid conservation, physicochemical variation, residue mobility, and thermodynamic stability) performed at Invitae indicates that this missense variant is not expected to disrupt CACNA1B protein function. This variant has not been reported in the literature in individuals affected with CACNA1B-related conditions. The frequency data for this variant in the population databases is considered unreliable, as metrics indicate poor data quality at this position in the gnomAD database. This sequence change replaces arginine, which is basic and polar, with cysteine, which is neutral and slightly polar, at codon 2136 of the CACNA1B protein (p.Arg2136Cys).

NM_000718.4(CACNA1B):c.6406C>T (p.Arg2136Cys)

Gene: CACNA1B (calcium voltage-gated channel subunit alpha1 B; plus strand). Cytogenetic location: 9q34.3.
Variant type: single nucleotide variant.
Coding change: c.6406C>T on transcript NM_000718.4 (MANE Select); coding-DNA position 6406, C replaced by T.
Protein change: p.Arg2136Cys; replaces arginine 2136 with cysteine.
Molecular consequence: missense variant.
Genome position (GRCh38, 1-based): chr9:138,120,798, C>T. VCF-style: chr9-138120798-C-T. GRCh37 (hg19) VCF-style: chr9-141015250-C-T.
Other names: c.6406C>T, p.Arg2136Cys (NM_001243812.2); short protein forms R2136C.
Identifiers: ClinVar variation 2189519 (VCV002189519.3), dbSNP rs770572055, ClinGen allele CA5377701.